The following is an entry in ClinVar:

ClinVar aggregate classification (germline): Likely benign. Review status: criteria provided, single submitter (1 of 4 stars). 2 submissions from 2 submitters: Likely benign (1). 1 of the submissions does not count toward it. Last evaluated 2023-02-01.

Conditions:
GFM1-related disorder. Also called: GFM1-related condition.

Allele frequency attached by ClinVar (database versions not stated): gnomAD exomes 0.00002 and 0.00004; ExAC 0.00006; gnomAD 0.00016 and 0.00018; TOPMed 0.00028; ESP Exome Variant Server 0.00031.
gnomAD v4.1: 48 of 1,613,086 alleles (0.003%); highest among the groups gnomAD compares: African/African-American, 0.061%; no homozygotes.

Submissions (2):

GeneDx
Classification: Likely benign. Last evaluated: 2023-02-01. Review status: criteria provided, single submitter. Criteria: GeneDx Variant Classification Process June 2021. Collection method: clinical testing. Allele origin: germline. Affected: yes.
Comment: See Variant Classification Assertion Criteria.

PreventionGenetics, part of Exact Sciences
Classification: Likely benign for GFM1-related condition. Last evaluated: 2019-05-14. Review status: no assertion criteria provided. Collection method: clinical testing. Allele origin: germline. Not counted in ClinVar's aggregate classification.
Comment: This variant is classified as likely benign based on ACMG/AMP sequence variant interpretation guidelines (Richards et al. 2015 PMID: 25741868, with internal and published modifications).

NM_024996.7(GFM1):c.*9A>G

Gene: GFM1 (G elongation factor mitochondrial 1; plus strand). Cytogenetic location: 3q25.32.
Variant type: single nucleotide variant.
Coding change: c.*9A>G on transcript NM_024996.7 (MANE Select); 9 bases downstream of the stop codon, A replaced by G.
Molecular consequence: 3 prime UTR variant. On other transcripts: non-coding transcript variant (4).
Genome position (GRCh38, 1-based): chr3:158,691,476, A>G. VCF-style: chr3-158691476-A-G. GRCh37 (hg19) VCF-style: chr3-158409265-A-G.
Other names: c.*9A>G (NM_001308164.2, NM_001374355.1, NM_001374356.1 and 6 more transcripts).
Identifiers: ClinVar variation 1178645 (VCV001178645.7), dbSNP rs372245257, ClinGen allele CA2683136.
Genomic context (GRCh38, chr3:158,691,476, plus strand): 5'-TTTGGAAGCTACAGGTCAACTTCCTGTTAAAAAAGGAAAAGCCAAGAACTAACTTTGCTT[A>G]CTGTGAGTTGACTGACTCTAATTGAATCTGCGTGGTTTTGATACTTTGATGGATTCCAGT-3'